The following is an entry in ClinVar:

NM_001430.5(EPAS1):c.1805G>A (p.Arg602Gln)

Gene: EPAS1 (endothelial PAS domain protein 1; plus strand). Cytogenetic location: 2p21.
Variant type: single nucleotide variant.
Coding change: c.1805G>A on transcript NM_001430.5 (MANE Select); coding-DNA position 1805, G replaced by A.
Protein change: p.Arg602Gln; replaces arginine 602 with glutamine.
Molecular consequence: missense variant.
Genome position (GRCh38, 1-based): chr2:46,380,477, G>A. VCF-style: chr2-46380477-G-A. GRCh37 (hg19) VCF-style: chr2-46607616-G-A.
Other names: short protein forms R602Q.
Identifiers: ClinVar variation 3509026 (VCV003509026.2).

ClinVar aggregate classification (germline): Conflicting classifications of pathogenicity. Review status: criteria provided, conflicting classifications (1 of 4 stars). 2 submissions from 2 submitters: Uncertain significance (1); Likely benign (1). Last evaluated 2025-12-03.

Conditions:
Inborn genetic diseases. Identifiers: MedGen C0950123, MeSH D030342.

gnomAD v4.1: 44 of 1,613,960 alleles (0.0027%); highest among the groups gnomAD compares: Admixed American, 0.0083%; no homozygotes.

Submissions (2):

Labcorp Genetics (formerly Invitae), Labcorp
Classification: Uncertain significance. Last evaluated: 2025-12-03. Review status: criteria provided, single submitter. Criteria: Invitae Variant Classification Sherloc (09022015). Collection method: clinical testing. Allele origin: germline.
Comment: This sequence change replaces arginine, which is basic and polar, with glutamine, which is neutral and polar, at codon 602 of the EPAS1 protein (p.Arg602Gln). This variant is present in population databases (rs200433006, gnomAD 0.01%). This variant has not been reported in the literature in individuals affected with EPAS1-related conditions. ClinVar contains an entry for this variant (Variation ID: 3509026). An algorithm developed to predict the effect of missense changes on protein structure and function outputs the following: PolyPhen-2: "Benign". The glutamine amino acid residue is found in multiple mammalian species, which suggests that this missense change does not adversely affect protein function. In summary, the available evidence is currently insufficient to determine the role of this variant in disease. Therefore, it has been classified as a Variant of Uncertain Significance.

Ambry Genetics
Classification: Likely benign for Inborn genetic diseases. Last evaluated: 2024-11-13. Review status: criteria provided, single submitter. Criteria: Ambry Variant Classification Scheme 2023. Collection method: clinical testing. Allele origin: germline.